The following is an entry in ClinVar:

NM_001164508.2(NEB):c.23912_23913dup (p.Glu7972fs)

Genes: RIF1 (replication timing regulatory factor 1; plus strand), NEB (nebulin; minus strand). Cytogenetic location: 2q23.3.
Variant type: Duplication.
Coding change: c.23912_23913dup on transcript NM_001164508.2 (MANE Select); coding-DNA positions 23912 to 23913, 2 bases duplicated (AA; older notation c.23912_23913dupAA).
Protein change: p.Glu7972fs; shifts the reading frame from glutamic acid 7972.
Molecular consequence: frameshift variant.
Genome position (GRCh38, 1-based): chr2:151,502,808-151,502,809, TT duplicated on the plus strand (AA on the coding strand, the reverse complement: NEB is on the minus strand). VCF-style (leftmost placement, unchanged base first): chr2-151502807-C-CTT. GRCh37 (hg19) VCF-style: chr2-152359321-C-CTT.
Other names: c.23912_23913dup, p.Glu7972fs (NM_001164507.2); c.24017_24018dup, p.Glu8007fs (NM_001271208.2); c.18809_18810dup, p.Glu6271fs (NM_004543.5); short protein forms E6271fs, E7972fs, E8007fs.
Identifiers: ClinVar variation 5004726 (VCV005004726.1).

ClinVar aggregate classification (germline): Pathogenic (1 of 4 stars; one submission).

Conditions:
Nemaline myopathy 2 (NEM2). Also called: Nemaline myopathy 2, autosomal recessive. Identifiers: MedGen C1850569, MONDO:0009725, OMIM 256030.

Submission:

Myriad Genetics, Inc.
Classification: Pathogenic for Nemaline myopathy 2. Last evaluated: 2026-06-17. Review status: criteria provided, single submitter. Criteria: Myriad Autosomal Dominant, Autosomal Recessive and X-Linked Classification Criteria (2023). Collection method: clinical testing. Allele origin: unknown.
Comment: NM_001271208.1(NEB):c.24017_24018dupAA(E8007Kfs*13) is a frameshift variant classified as pathogenic in the context of NEB-related nemaline myopathy. E8007Kfs*13 has not been observed in cases with relevant disease. Relevant functional assessments of this variant are not available in the literature. E8007Kfs*13 has not been observed in referenced population frequency databases. In summary, NM_001271208.1(NEB):c.24017_24018dupAA(E8007Kfs*13) is a frameshift variant in a gene where loss of function is a known mechanism of disease and is predicted to disrupt protein function. Please note: this variant was assessed in the context of healthy population screening.